The following is an entry in ClinVar:

ClinVar aggregate classification (germline): Uncertain significance (1 of 4 stars; one submission).

Conditions:
Leber congenital amaurosis 6 (LCA6). Identifiers: Orphanet 65, MedGen C1854260, MONDO:0013446, OMIM 613826.
Cone-rod dystrophy 13 (CORD13). Identifiers: Orphanet 1872, MedGen C2750720, MONDO:0011987, OMIM 608194.

Allele frequency attached by ClinVar (database versions not stated): TOPMed below 0.00001; gnomAD 0.00001; ExAC 0.00002; gnomAD exomes 0.00002.
gnomAD v4.1: 3 of 1,612,586 alleles (0.00019%); highest among the groups gnomAD compares: East Asian, 0.0067%; no homozygotes.

Submission:

Labcorp Genetics (formerly Invitae), Labcorp
Classification: Uncertain significance for Leber congenital amaurosis 6; Cone-rod dystrophy 13. Last evaluated: 2021-01-14. Review status: criteria provided, single submitter. Criteria: Invitae Variant Classification Sherloc (09022015). Collection method: clinical testing. Allele origin: germline.
Comment: This sequence change replaces threonine with isoleucine at codon 545 of the RPGRIP1 protein (p.Thr545Ile). The threonine residue is moderately conserved and there is a moderate physicochemical difference between threonine and isoleucine. This variant is present in population databases (rs778389059, ExAC 0.02%). This variant has not been reported in the literature in individuals with RPGRIP1-related conditions. Algorithms developed to predict the effect of missense changes on protein structure and function output the following: SIFT: "Tolerated"; PolyPhen-2: "Benign"; Align-GVGD: "Class C0". The isoleucine amino acid residue is found in multiple mammalian species, suggesting that this missense change does not adversely affect protein function. These predictions have not been confirmed by published functional studies and their clinical significance is uncertain. In summary, the available evidence is currently insufficient to determine the role of this variant in disease. Therefore, it has been classified as a Variant of Uncertain Significance.

NM_020366.4(RPGRIP1):c.1634C>T (p.Thr545Ile)

Gene: RPGRIP1 (RPGR interacting protein 1; plus strand). Cytogenetic location: 14q11.2.
Variant type: single nucleotide variant.
Coding change: c.1634C>T on transcript NM_020366.4 (MANE Select); coding-DNA position 1634, C replaced by T.
Protein change: p.Thr545Ile; replaces threonine 545 with isoleucine.
Molecular consequence: missense variant.
Genome position (GRCh38, 1-based): chr14:21,321,876, C>T. VCF-style: chr14-21321876-C-T. GRCh37 (hg19) VCF-style: chr14-21790035-C-T.
Other names: c.560C>T, p.Thr187Ile (NM_001377523.1, NM_001377948.1, NM_001377949.1 and 1 more transcripts); c.62C>T, p.Thr21Ile (NM_001377951.1); short protein forms T187I, T545I, T21I.
Identifiers: ClinVar variation 1402598 (VCV001402598.8), dbSNP rs778389059, ClinGen allele CA7089040.